The following is an entry in ClinVar:

NM_002691.4(POLD1):c.530G>A (p.Arg177His)

Gene: POLD1 (DNA polymerase delta 1, catalytic subunit; plus strand). Cytogenetic location: 19q13.33.
Variant type: single nucleotide variant.
Coding change: c.530G>A on transcript NM_002691.4 (MANE Select); coding-DNA position 530, G replaced by A.
Protein change: p.Arg177His; replaces arginine 177 with histidine.
Molecular consequence: missense variant. On other transcripts: non-coding transcript variant (1).
Genome position (GRCh38, 1-based): chr19:50,402,065, G>A. VCF-style: chr19-50402065-G-A. GRCh37 (hg19) VCF-style: chr19-50905322-G-A.
Other names: c.530G>A, p.Arg177His (NM_001256849.1, NM_001308632.1); c.530G>A (NM_002691.2); short protein forms R177H.
Identifiers: ClinVar variation 469360 (VCV000469360.20), dbSNP rs3218750, ClinGen allele CA9595778.
Genomic context (GRCh38, chr19:50,402,065, plus strand): 5'-GGCCCGAGCACATGGGTGACCTGCAACGGGAGCTGAACTTGGCCATCAGCCGGGACAGTC[G>A]CGGGGGGAGGGAGCTGACTGGGCCGGCCGTGCTGGCTGTGGAACTGTGCTCCCGAGAGAG-3'
Protein context (NP_002682.2, residues 167-187): ELNLAISRDS[Arg177His]GGRELTGPAV

ClinVar aggregate classification (germline): Conflicting classifications of pathogenicity. Review status: criteria provided, conflicting classifications (1 of 4 stars). 7 submissions from 7 submitters: Uncertain significance (6); Likely benign (1). Last evaluated 2026-01-02.

Conditions:
Hereditary cancer-predisposing syndrome. Also called: Neoplastic Syndromes, Hereditary; Hereditary neoplastic syndrome; Tumor predisposition; Hereditary Cancer Syndrome. Identifiers: Orphanet 140162, MedGen C0027672, MeSH D009386, MONDO:0015356.
POLD1-related polyposis and colorectal cancer syndrome (CRCS10). Also called: Colorectal cancer 10; COLORECTAL CANCER, SUSCEPTIBILITY TO, ON CHROMOSOME 19q; Colorectal cancer, susceptibility to, 10. Identifiers: Orphanet 220460, MedGen C2675481, MONDO:0012953, OMIM 612591.

Allele frequency attached by ClinVar (database versions not stated): gnomAD exomes 0.00001 and 0.00003; TOPMed 0.00001; ExAC 0.00002; gnomAD 0.00003 and 0.00004.
gnomAD v4.1: 19 of 1,613,948 alleles (0.0012%); highest among the groups gnomAD compares: East Asian, 0.011%; no homozygotes.

Submissions (7):

Labcorp Genetics (formerly Invitae), Labcorp
Classification: Uncertain significance for POLD1-related polyposis and colorectal cancer syndrome. Last evaluated: 2026-01-02. Review status: criteria provided, single submitter. Criteria: Invitae Variant Classification Sherloc (09022015). Collection method: clinical testing. Allele origin: germline.
Comment: This sequence change replaces arginine, which is basic and polar, with histidine, which is basic and polar, at codon 177 of the POLD1 protein (p.Arg177His). This variant is present in population databases (rs3218750, gnomAD 0.01%). This variant has not been reported in the literature in individuals affected with POLD1-related conditions. ClinVar contains an entry for this variant (Variation ID: 469360). An algorithm developed to predict the effect of missense changes on protein structure and function (PolyPhen-2) suggests that this variant is likely to be disruptive. In summary, the available evidence is currently insufficient to determine the role of this variant in disease. Therefore, it has been classified as a Variant of Uncertain Significance.

GeneDx
Classification: Uncertain significance. Last evaluated: 2025-08-26. Review status: criteria provided, single submitter. Criteria: GeneDx Variant Classification Process June 2021. Collection method: clinical testing. Allele origin: germline. Affected: yes.
Comment: In silico analysis supports that this missense variant has a deleterious effect on protein structure/function; Has not been previously published as pathogenic or benign to our knowledge; This variant is associated with the following publications: (PMID: 15766587)

Center for Genomic Medicine, Rigshospitalet, Copenhagen University Hospital
Classification: Uncertain significance. Last evaluated: 2025-03-04. Review status: criteria provided, single submitter. Criteria: ACMG Guidelines, 2015. Collection method: clinical testing. Allele origin: germline.

Ambry Genetics
Classification: Likely benign for Hereditary cancer-predisposing syndrome. Last evaluated: 2025-02-05. Review status: criteria provided, single submitter. Criteria: Ambry Variant Classification Scheme 2023. Collection method: clinical testing. Allele origin: germline.

Blueprint Genetics
Classification: Uncertain significance. Last evaluated: 2024-06-24. Review status: criteria provided, single submitter. Criteria: ACMG Guidelines, 2015. Collection method: clinical testing. Allele origin: germline.

Sema4
Classification: Uncertain significance for Hereditary cancer-predisposing syndrome. Last evaluated: 2021-04-28. Review status: criteria provided, single submitter. Criteria: Sema4 Curation Guidelines. Collection method: curation. Allele origin: germline.
Comment: The POLD1 c.530G>A (p.R177H) variant has not been reported in individuals with POLD1-related disease the literature to our knowledge. It was observed in 2/19938 chromosomes of the East Asian subpopulation in the large and broad cohorts of the Genome Aggregation Database. The variant has been reported in ClinVar (Variation ID 469360). In silico tools suggest the impact of the variant on protein function is inconclusive, though these predictions have not been confirmed by functional studies. The evidence is insufficient to meet ACMG/AMP criteria for classifying the variant as benign or pathogenic. Thus, the clinical significance of this variant is currently uncertain.

PreventionGenetics, part of Exact Sciences
Classification: Uncertain significance. Last evaluated: 2017-08-02. Review status: criteria provided, single submitter. Criteria: ACMG Guidelines, 2015. Collection method: clinical testing. Allele origin: germline.